The following is an entry in ClinVar:

NM_000053.4(ATP7B):c.2527G>A (p.Gly843Arg)

Gene: ATP7B (ATPase copper transporting beta; minus strand). Cytogenetic location: 13q14.3.
Variant type: single nucleotide variant.
Coding change: c.2527G>A on transcript NM_000053.4 (MANE Select); coding-DNA position 2527, G replaced by A.
Protein change: p.Gly843Arg; replaces glycine 843 with arginine.
Molecular consequence: missense variant.
Genome position (GRCh38, 1-based): chr13:51,950,320, C>T on the plus strand (G>A on the coding strand, the complement: ATP7B is on the minus strand). VCF-style: chr13-51950320-C-T. GRCh37 (hg19) VCF-style: chr13-52524456-C-T.
Other names: c.2041G>A, p.Gly681Arg (NM_001005918.3, NM_001406541.1, NM_001406542.1 and 1 more transcripts); c.2194G>A, p.Gly732Arg (NM_001243182.2); c.2293G>A, p.Gly765Arg (NM_001330578.2, NM_001406527.1, NM_001406528.1 and 2 more transcripts); c.2275G>A, p.Gly759Arg (NM_001330579.2, NM_001406531.1, NM_001406532.1 and 1 more transcripts); c.2383G>A, p.Gly795Arg (NM_001406520.1, NM_001406521.1, NM_001406522.1 and 1 more transcripts); c.2527G>A, p.Gly843Arg (NM_001406523.1, NM_001406525.1, NM_001406526.1 and 7 more transcripts); c.2350G>A, p.Gly784Arg (NM_001406524.1); c.2287G>A, p.Gly763Arg (NM_001406530.1); and 7 more; short protein forms G627R, G700R, G732R, G759R, G765R, G832R, G843R, G727R.
Identifiers: ClinVar variation 2137525 (VCV002137525.4), dbSNP rs1452859057, ClinGen allele CA388016173.
Genomic context (GRCh38, chr13:51,950,320, plus strand): 5'-AAGCCATCTCACCTGTGATGAGGGACTCATCAGCCATGGTATTGCCTTCCAGGACTTTCC[C>T]ATCCACTGGAAACTTTCCCCCAGGGACCACCTTGACGATATCGCCCCGCTGCACCAGCTC-3'
Protein context (NP_000044.2, residues 833-853): VVPGGKFPVD[Gly843Arg]KVLEGNTMAD

ClinVar aggregate classification (germline): Likely pathogenic (1 of 4 stars; one submission).

Conditions:
Wilson disease (WND). Also called: Wilson's disease. Identifiers: Orphanet 905, MedGen C0019202, MONDO:0010200, OMIM 277900. Disease mechanism: loss of function.

gnomAD v4.1: 1 of 1,614,160 alleles (0.000062%); highest among the groups gnomAD compares: Non-Finnish European, 0.000085%; no homozygotes.

Submission:

Labcorp Genetics (formerly Invitae), Labcorp
Classification: Likely pathogenic for Wilson disease. Last evaluated: 2022-03-19. Review status: criteria provided, single submitter. Criteria: Invitae Variant Classification Sherloc (09022015). Collection method: clinical testing. Allele origin: germline.
Comment: This sequence change replaces glycine, which is neutral and non-polar, with arginine, which is basic and polar, at codon 843 of the ATP7B protein (p.Gly843Arg). This variant is present in population databases (no rsID available, gnomAD 0.03%). This missense change has been observed in individual(s) with Wilson disease (PMID: 17317524). Advanced modeling of protein sequence and biophysical properties (such as structural, functional, and spatial information, amino acid conservation, physicochemical variation, residue mobility, and thermodynamic stability) performed at Invitae indicates that this missense variant is expected to disrupt ATP7B protein function. In summary, the currently available evidence indicates that the variant is pathogenic, but additional data are needed to prove that conclusively. Therefore, this variant has been classified as Likely Pathogenic.

Literature cited by the submitters: PubMed 17317524.